The following is an entry in ClinVar:

NM_000625.4(NOS2):c.1560-3_1560-2del

Gene: NOS2 (nitric oxide synthase 2; minus strand). Cytogenetic location: 17q11.2.
Variant type: Microsatellite.
Coding change: c.1560-3_1560-2del on transcript NM_000625.4 (MANE Select); 3 bases into the intron before coding-DNA position 1560 through the canonical splice acceptor site of the intron before coding-DNA position 1560, 2 bases deleted (CA; older notation c.1560-3_1560-2delCA).
Molecular consequence: splice acceptor variant.
Genome position (GRCh38, 1-based): chr17:27,772,454-27,772,455, TG deleted on the plus strand (CA on the coding strand, the reverse complement: NOS2 is on the minus strand); deleting any 2 consecutive bases within chr17:27,772,454-27,772,457 gives the same sequence; the c. name uses the placement nearest the transcript's 3' end. VCF-style (leftmost placement, unchanged base first): chr17-27772453-CTG-C. GRCh37 (hg19) VCF-style: chr17-26099479-CTG-C.
Identifiers: ClinVar variation 4880158 (VCV004880158.1).

ClinVar aggregate classification (germline): Likely pathogenic (1 of 4 stars; one submission).

Conditions:
Primary ciliary dyskinesia. Also called: Ciliary dyskinesia. Identifiers: Orphanet 244, MedGen C0008780, MONDO:0016575, HP:0012265.

Submission:

Department of Human Genetics, Hannover Medical School
Classification: Likely pathogenic for Primary Ciliary Dyskinesia. Last evaluated: 2026-04-01. Review status: criteria provided, single submitter. Criteria: ACMG Guidelines, 2015. Collection method: research. Allele origin: germline. Affected: no.
Comment: Classification performed by HerediClassify using the following criteria:['PM2_supporting: Variant occures does not occur as homozygous in gnomAD.', 'PVS1_splicing_very_strong: Transcript ENST00000313735 undergoes NMD.']